The following is an entry in ClinVar:

NM_000053.4(ATP7B):c.4062G>T (p.Met1354Ile)

Gene: ATP7B (ATPase copper transporting beta; minus strand). Cytogenetic location: 13q14.3.
Variant type: single nucleotide variant.
Coding change: c.4062G>T on transcript NM_000053.4 (MANE Select); coding-DNA position 4062, G replaced by T.
Protein change: p.Met1354Ile; replaces methionine 1354 with isoleucine.
Molecular consequence: missense variant.
Genome position (GRCh38, 1-based): chr13:51,935,655, C>A on the plus strand (G>T on the coding strand, the complement: ATP7B is on the minus strand). VCF-style: chr13-51935655-C-A. GRCh37 (hg19) VCF-style: chr13-52509791-C-A.
Other names: c.3570G>T, p.Met1190Ile (NM_001406543.1); c.3480G>T, p.Met1160Ile (NM_001406544.1); c.3414G>T, p.Met1138Ile (NM_001406545.1); c.3381G>T, p.Met1127Ile (NM_001406546.1); c.3219G>T, p.Met1073Ile (NM_001406547.1); c.2772G>T, p.Met924Ile (NM_001406548.1); c.3633G>T, p.Met1211Ile (NM_001406539.1); c.3615G>T, p.Met1205Ile (NM_001406540.1); and 21 more; short protein forms M1073I, M1127I, M1138I, M1147I, M1160I, M1190I, M1192I, M1205I.
Identifiers: ClinVar variation 3072637 (VCV003072637.1), dbSNP rs2547551551, ClinGen allele CA388020163.

ClinVar aggregate classification (germline): Uncertain significance (1 of 4 stars; one submission).

Conditions:
Wilson disease (WND). Also called: Wilson's disease. Identifiers: Orphanet 905, MedGen C0019202, MONDO:0010200, OMIM 277900. Disease mechanism: loss of function.

Submission:

All of Us Research Program, National Institutes of Health
Classification: Uncertain significance for Wilson disease. Last evaluated: 2023-11-10. Review status: criteria provided, single submitter. Criteria: ACMG Guidelines, 2015. Collection method: clinical testing. Allele origin: germline. Inheritance: Autosomal recessive inheritance. Observed: 1 variant allele, 1 heterozygote.
Comment: This study involves interpretation of variants in research participants for the purpose of population health screening. Participant phenotype was not available at the time of variant classification. Additional details can be found in publication PMID: 35346344, PMCID: PMC8962531